The following is an entry in ClinVar:

NM_001128636.4(ELFN1):c.619G>A (p.Ala207Thr)

Gene: ELFN1 (extracellular leucine rich repeat and fibronectin type III domain containing 1; plus strand). Cytogenetic location: 7p22.3.
Variant type: single nucleotide variant.
Coding change: c.619G>A on transcript NM_001128636.4 (MANE Select); coding-DNA position 619, G replaced by A.
Protein change: p.Ala207Thr; replaces alanine 207 with threonine.
Molecular consequence: missense variant.
Genome position (GRCh38, 1-based): chr7:1,745,215, G>A. VCF-style: chr7-1745215-G-A. GRCh37 (hg19) VCF-style: chr7-1784851-G-A.
Other names: c.619G>A, p.Ala207Thr (NM_001394187.1, NM_001394188.1); short protein forms A207T.
Identifiers: ClinVar variation 2344665 (VCV002344665.4), dbSNP rs556140343, ClinGen allele CA152511555.

ClinVar aggregate classification (germline): Uncertain significance. Review status: criteria provided, multiple submitters, no conflicts (2 of 4 stars). 2 submissions from 2 submitters: Uncertain significance (2). Last evaluated 2026-04-12.

Allele frequency attached by ClinVar (database versions not stated): TOPMed 0.00005; 1000 Genomes Project 30x 0.00031; gnomAD exomes 0.00002; gnomAD 0.00004; 1000 Genomes Project 0.00020.
gnomAD v4.1: 33 of 1,543,142 alleles (0.0021%); highest among the groups gnomAD compares: Middle Eastern, 0.033%; no homozygotes.

Submissions (2):

GeneDx
Classification: Uncertain significance. Last evaluated: 2026-04-12. Review status: criteria provided, single submitter. Criteria: GeneDx Variant Classification Process June 2021. Collection method: clinical testing. Allele origin: germline.
Comment: In silico analysis suggests that this missense variant does not alter protein structure/function; Has not been previously published as pathogenic or benign to our knowledge

Ambry Genetics
Classification: Uncertain significance. Last evaluated: 2025-09-10. Review status: criteria provided, single submitter. Criteria: Ambry Variant Classification Scheme 2023. Collection method: clinical testing. Allele origin: germline.